The following is an entry in ClinVar:

ClinVar aggregate classification (germline): Uncertain significance. Review status: criteria provided, multiple submitters, no conflicts (2 of 4 stars). 4 submissions from 4 submitters: Uncertain significance (2). 2 of the submissions do not count toward it. Last evaluated 2025-07-23.

Conditions:
Pulmonary hypertension, primary, 2. Identifiers: Orphanet 422, MedGen C3888002, MONDO:0014134, OMIM 615342.

Allele frequency attached by ClinVar (database versions not stated): gnomAD 0.00009 and 0.00011; ExAC 0.00011; gnomAD exomes 0.00011; TOPMed 0.00011.
gnomAD v4.1: 295 of 1,614,070 alleles (0.018%); highest among the groups gnomAD compares: Non-Finnish European, 0.024%; no homozygotes.

Submissions (4):

Labcorp Genetics (formerly Invitae), Labcorp
Classification: Uncertain significance for Pulmonary hypertension, primary, 2. Last evaluated: 2025-07-23. Review status: criteria provided, single submitter. Criteria: Invitae Variant Classification Sherloc (09022015). Collection method: clinical testing. Allele origin: germline.
Comment: This sequence change replaces asparagine, which is neutral and polar, with lysine, which is basic and polar, at codon 387 of the SMAD9 protein (p.Asn387Lys). This variant is present in population databases (rs562953157, gnomAD 0.02%). This variant has not been reported in the literature in individuals affected with SMAD9-related conditions. ClinVar contains an entry for this variant (Variation ID: 1297487). Invitae Evidence Modeling of protein sequence and biophysical properties (such as structural, functional, and spatial information, amino acid conservation, physicochemical variation, residue mobility, and thermodynamic stability) indicates that this missense variant is expected to disrupt SMAD9 protein function with a positive predictive value of 80%. In summary, the available evidence is currently insufficient to determine the role of this variant in disease. Therefore, it has been classified as a Variant of Uncertain Significance.

Fulgent Genetics
Classification: Uncertain significance for Pulmonary hypertension, primary, 2. Last evaluated: 2024-06-23. Review status: criteria provided, single submitter. Criteria: ACMG Guidelines, 2015. Collection method: clinical testing. Allele origin: germline.

Clinical Genetics DNA and cytogenetics Diagnostics Lab, Erasmus MC, Erasmus Medical Center
Classification: Uncertain significance. Review status: no assertion criteria provided. Collection method: clinical testing. Allele origin: germline. Affected: yes. Study: VKGL Data-share Consensus. Not counted in ClinVar's aggregate classification.

Joint Genome Diagnostic Labs from Nijmegen and Maastricht, Radboudumc and MUMC+
Classification: Uncertain significance. Review status: no assertion criteria provided. Collection method: clinical testing. Allele origin: germline. Affected: yes. Study: VKGL Data-share Consensus. Not counted in ClinVar's aggregate classification.

NM_001127217.3(SMAD9):c.1161C>A (p.Asn387Lys)

Gene: SMAD9 (SMAD family member 9; minus strand). Cytogenetic location: 13q13.3.
Variant type: single nucleotide variant.
Coding change: c.1161C>A on transcript NM_001127217.3 (MANE Select); coding-DNA position 1161, C replaced by A.
Protein change: p.Asn387Lys; replaces asparagine 387 with lysine.
Molecular consequence: missense variant.
Genome position (GRCh38, 1-based): chr13:36,853,518, G>T on the plus strand (C>A on the coding strand, the complement: SMAD9 is on the minus strand). VCF-style: chr13-36853518-G-T. GRCh37 (hg19) VCF-style: chr13-37427655-G-T.
Other names: c.1050C>A, p.Asn350Lys (NM_001378621.1, NM_005905.6); short protein forms N350K, N387K.
Identifiers: ClinVar variation 1297487 (VCV001297487.8), dbSNP rs562953157, ClinGen allele CA6950366.